The following is an entry in ClinVar:

ClinVar aggregate classification (germline): Uncertain significance (1 of 4 stars; one submission).

Conditions:
Inborn genetic diseases. Identifiers: MedGen C0950123, MeSH D030342.

Submission:

Ambry Genetics
Classification: Uncertain significance for Inborn genetic diseases. Last evaluated: 2024-05-15. Review status: criteria provided, single submitter. Criteria: Ambry Variant Classification Scheme 2023. Collection method: clinical testing. Allele origin: germline.
Comment: The p.P171R variant (also known as c.512C>G), located in coding exon 7 of the ERCC2 gene, results from a C to G substitution at nucleotide position 512. The proline at codon 171 is replaced by arginine, an amino acid with dissimilar properties. This amino acid position is conserved. In addition, the in silico prediction for this alteration is inconclusive. Based on the available evidence, the clinical significance of this variant remains unclear.

NM_000400.4(ERCC2):c.512C>G (p.Pro171Arg)

Gene: ERCC2 (ERCC excision repair 2, TFIIH core complex helicase subunit; minus strand). Cytogenetic location: 19q13.32.
Variant type: single nucleotide variant.
Coding change: c.512C>G on transcript NM_000400.4 (MANE Select); coding-DNA position 512, C replaced by G.
Protein change: p.Pro171Arg; replaces proline 171 with arginine.
Molecular consequence: missense variant.
Genome position (GRCh38, 1-based): chr19:45,364,920, G>C on the plus strand (C>G on the coding strand, the complement: ERCC2 is on the minus strand). VCF-style: chr19-45364920-G-C. GRCh37 (hg19) VCF-style: chr19-45868178-G-C.
Other names: c.440C>G, p.Pro147Arg (NM_001130867.2); short protein forms P171R, P147R.
Identifiers: ClinVar variation 3276221 (VCV003276221.1).